The following is an entry in ClinVar:

ClinVar aggregate classification (germline): Uncertain significance (1 of 4 stars; one submission).

Conditions:
Primary dilated cardiomyopathy (DCM). Also called: Dilated Cardiomyopathy. Identifiers: Orphanet 217604, MedGen C0007193, MeSH D002311, MONDO:0005021, HP:0001644. Inheritance: Various modes of inheritance.

Allele frequency attached by ClinVar (database versions not stated): gnomAD 0.00001; TOPMed 0.00002; ExAC 0.00006.
gnomAD v4.1: 33 of 1,613,896 alleles (0.002%); highest among the groups gnomAD compares: South Asian, 0.0077%; no homozygotes.

Submission:

Labcorp Genetics (formerly Invitae), Labcorp
Classification: Uncertain significance for Primary dilated cardiomyopathy. Last evaluated: 2025-03-14. Review status: criteria provided, single submitter. Criteria: Invitae Variant Classification Sherloc (09022015). Collection method: clinical testing. Allele origin: germline.
Comment: This sequence change replaces aspartic acid, which is acidic and polar, with asparagine, which is neutral and polar, at codon 247 of the FHL2 protein (p.Asp247Asn). This variant is present in population databases (rs769888361, gnomAD 0.006%). This variant has not been reported in the literature in individuals affected with FHL2-related conditions. ClinVar contains an entry for this variant (Variation ID: 640564). Invitae Evidence Modeling of protein sequence and biophysical properties (such as structural, functional, and spatial information, amino acid conservation, physicochemical variation, residue mobility, and thermodynamic stability) indicates that this missense variant is not expected to disrupt FHL2 protein function with a negative predictive value of 80%. In summary, the available evidence is currently insufficient to determine the role of this variant in disease. Therefore, it has been classified as a Variant of Uncertain Significance.

NM_001318895.3(FHL2):c.739G>A (p.Asp247Asn)

Genes: C2orf49 (chromosome 2 open reading frame 49; plus strand), FHL2 (four and a half LIM domains 2; minus strand). Cytogenetic location: 2q12.2.
Variant type: single nucleotide variant.
Coding change: c.739G>A on transcript NM_001318895.3 (MANE Select); coding-DNA position 739, G replaced by A.
Protein change: p.Asp247Asn; replaces aspartic acid 247 with asparagine.
Molecular consequence: missense variant.
Genome position (GRCh38, 1-based): chr2:105,361,384, C>T on the plus strand (G>A on the coding strand, the complement: FHL2 is on the minus strand). VCF-style: chr2-105361384-C-T. GRCh37 (hg19) VCF-style: chr2-105977841-C-T.
Other names: c.739G>A, p.Asp247Asn (NM_001039492.3, NM_001318894.1, NM_001318896.2 and 4 more transcripts); c.397G>A, p.Asp133Asn (NM_001318897.2, NM_001318898.2); c.415G>A, p.Asp139Asn (NM_001318899.2); short protein forms D139N, D133N, D247N.
Identifiers: ClinVar variation 640564 (VCV000640564.6), dbSNP rs769888361, ClinGen allele CA1814659.